The following is an entry in ClinVar:

NM_004656.4(BAP1):c.91del (p.Glu31fs)

Gene: BAP1 (BRCA1 associated deubiquitinase 1; minus strand). Cytogenetic location: 3p21.1.
Variant type: Deletion.
Coding change: c.91del on transcript NM_004656.4 (MANE Select); coding-DNA position 91, one base deleted (G; older notation c.91delG).
Protein change: p.Glu31fs; shifts the reading frame from glutamic acid 31.
Molecular consequence: frameshift variant.
Genome position (GRCh38, 1-based): chr3:52,409,585, C deleted on the plus strand (G on the coding strand, the reverse complement: BAP1 is on the minus strand); the first of 2 consecutive C bases (chr3:52,409,585-52,409,586); deleting either gives the same sequence. VCF-style (leftmost placement, unchanged base first): chr3-52409584-TC-T. GRCh37 (hg19) VCF-style: chr3-52443600-TC-T.
Other names: c.91delG (NM_004656.2); short protein forms E31fs.
Identifiers: ClinVar variation 539900 (VCV000539900.7), dbSNP rs1553646294, ClinGen allele CA658796336.

ClinVar aggregate classification (germline): Pathogenic. Review status: criteria provided, multiple submitters, no conflicts (2 of 4 stars). 2 submissions from 2 submitters: Pathogenic (2). Last evaluated 2024-10-19.

Conditions:
BAP1-related tumor predisposition syndrome (TPDS1). Also called: COMMON Syndrome; TUMOR PREDISPOSITION SYNDROME 1; BAP1 tumor predisposition syndrome; Tumor susceptibility linked to germline BAP1 mutations. Identifiers: Orphanet 289539, MedGen C3280492, MONDO:0013692, OMIM 614327.
Hereditary cancer-predisposing syndrome. Also called: Neoplastic Syndromes, Hereditary; Hereditary Cancer Syndrome; Hereditary neoplastic syndrome; Tumor predisposition. Identifiers: Orphanet 140162, MedGen C0027672, MeSH D009386, MONDO:0015356.

Submissions (2):

Ambry Genetics
Classification: Pathogenic for Hereditary cancer-predisposing syndrome. Last evaluated: 2024-10-19. Review status: criteria provided, single submitter. Criteria: Ambry Variant Classification Scheme 2023. Collection method: clinical testing. Allele origin: germline.
Comment: The c.91delG pathogenic mutation, located in coding exon 3 of the BAP1 gene, results from a deletion of one nucleotide at nucleotide position 91, causing a translational frameshift with a predicted alternate stop codon (p.E31Rfs*41). This variant is considered to be rare based on population cohorts in the Genome Aggregation Database (gnomAD). This alteration is expected to result in loss of function by premature protein truncation or nonsense-mediated mRNA decay. As such, this alteration is interpreted as a disease-causing mutation.

Labcorp Genetics (formerly Invitae), Labcorp
Classification: Pathogenic for BAP1-related tumor predisposition syndrome. Last evaluated: 2017-09-14. Review status: criteria provided, single submitter. Criteria: Invitae Variant Classification Sherloc (09022015). Collection method: clinical testing. Allele origin: germline.
Comment: For these reasons, this variant has been classified as Pathogenic. Loss-of-function variants in BAP1 are known to be pathogenic (PMID: 21874000, 23684012). This variant has not been reported in the literature in individuals with BAP1-related disease. This variant is not present in population databases (ExAC no frequency). This sequence change creates a premature translational stop signal (p.Glu31Argfs*41) in the BAP1 gene. It is expected to result in an absent or disrupted protein product.

Literature cited by the submitters: PubMed 21874000 (cited by Labcorp Genetics (formerly Invitae), Labcorp); PubMed 23684012 (cited by Labcorp Genetics (formerly Invitae), Labcorp).